The following is an entry in ClinVar:

NM_001287.6(CLCN7):c.1359_1360del (p.Phe453fs)

Gene: CLCN7 (chloride voltage-gated channel 7; minus strand). Cytogenetic location: 16p13.3.
Variant type: Deletion.
Coding change: c.1359_1360del on transcript NM_001287.6 (MANE Select); coding-DNA positions 1359 to 1360, 2 bases deleted (TT; older notation c.1359_1360delTT).
Protein change: p.Phe453fs; shifts the reading frame from phenylalanine 453.
Molecular consequence: frameshift variant.
Genome position (GRCh38, 1-based): chr16:1,451,710-1,451,711, AA deleted on the plus strand (TT on the coding strand, the reverse complement: CLCN7 is on the minus strand); deleting any 2 consecutive bases within chr16:1,451,710-1,451,713 gives the same sequence; the c. name uses the placement nearest the transcript's 3' end. VCF-style (leftmost placement, unchanged base first): chr16-1451709-CAA-C. GRCh37 (hg19) VCF-style: chr16-1501710-CAA-C.
Other names: c.1287_1288del, p.Phe429fs (NM_001114331.3); short protein forms F429fs, F453fs.
Identifiers: ClinVar variation 817955 (VCV000817955.1), dbSNP rs1322266202, ClinGen allele CA620324938.

ClinVar aggregate classification (germline): Likely pathogenic (1 of 4 stars; one submission).

Submission:

GeneDx
Classification: Likely pathogenic. Last evaluated: 2019-01-02. Review status: criteria provided, single submitter. Criteria: GeneDx Variant Classification (06012015). Collection method: clinical testing. Allele origin: germline. Affected: yes.
Comment: The c.1359_1360delTT variant in the CLCN7 gene has not been reported previously as a pathogenic variant nor as a benign variant, to our knowledge. The c.1359_1360delTT variant causes a frameshift starting with codon Phenylalanine 453, changes this amino acid to a Leucine residue, and creates a premature Stop codon at position 146 of the new reading frame, denoted p.Phe453LeufsX146. This variant is predicted to cause loss of normal protein function either through protein truncation or nonsense-mediated mRNA decay. The c.1359_1360delTT variant is not observed at a significant frequency in large population cohorts (Lek et al., 2016). We interpret c.1359_1360delTT as a likely pathogenic variant.